The following is an entry in ClinVar:

ClinVar aggregate classification (germline): Conflicting classifications of pathogenicity. Review status: criteria provided, conflicting classifications (1 of 4 stars). 3 submissions from 3 submitters: Uncertain significance (2); Likely benign (1). Last evaluated 2023-01-15.

Allele frequency attached by ClinVar (database versions not stated): TOPMed 0.00001; ExAC 0.00002; gnomAD exomes 0.00003.
gnomAD v4.1: 6 of 1,614,246 alleles (0.00037%); highest among the groups gnomAD compares: Admixed American, 0.01%; no homozygotes.

Submissions (3):

Labcorp Genetics (formerly Invitae), Labcorp
Classification: Likely benign. Last evaluated: 2023-01-15. Review status: criteria provided, single submitter. Criteria: Invitae Variant Classification Sherloc (09022015). Collection method: clinical testing. Allele origin: germline.

Blueprint Genetics
Classification: Uncertain significance. Last evaluated: 2020-03-03. Review status: criteria provided, single submitter. Criteria: ACMG Guidelines, 2015. Collection method: clinical testing. Allele origin: germline.

GeneDx
Classification: Uncertain significance. Last evaluated: 2019-12-13. Review status: criteria provided, single submitter. Criteria: GeneDx Variant Classification Process June 2021. Collection method: clinical testing. Allele origin: germline. Affected: yes.
Comment: In silico analysis, which includes protein predictors and evolutionary conservation, supports a deleterious effect; Has not been previously published as pathogenic or benign to our knowledge

NM_002473.6(MYH9):c.209A>C (p.Asp70Ala)

Gene: MYH9 (myosin heavy chain 9; minus strand). Cytogenetic location: 22q12.3.
Variant type: single nucleotide variant.
Coding change: c.209A>C on transcript NM_002473.6 (MANE Select); coding-DNA position 209, A replaced by C.
Protein change: p.Asp70Ala; replaces aspartic acid 70 with alanine.
Molecular consequence: missense variant.
Genome position (GRCh38, 1-based): chr22:36,349,028, T>G on the plus strand (A>C on the coding strand, the complement: MYH9 is on the minus strand). VCF-style: chr22-36349028-T-G. GRCh37 (hg19) VCF-style: chr22-36745073-T-G.
Other names: short protein forms D70A.
Identifiers: ClinVar variation 1310992 (VCV001310992.7), dbSNP rs764768999, ClinGen allele CA10210704.